The following is an entry in ClinVar:

ClinVar aggregate classification (germline): Uncertain significance. Review status: criteria provided, multiple submitters, no conflicts (2 of 4 stars). 2 submissions from 2 submitters: Uncertain significance (2). Last evaluated 2025-08-31.

Conditions:
Inborn genetic diseases. Identifiers: MedGen C0950123, MeSH D030342.
Cystinuria (CSNU). Also called: Cystinuria, non-type I; CYSTINURIA, TYPE I; CYSTINURIA, TYPE II; CYSTINURIA, TYPE III. Identifiers: Orphanet 214, MedGen C0010691, MONDO:0009067, OMIM 220100, HP:0003131.

gnomAD v4.1: 2 of 1,614,018 alleles (0.00012%); highest among the groups gnomAD compares: Admixed American, 0.0017%; no homozygotes.

Submissions (2):

Ambry Genetics
Classification: Uncertain significance for Inborn genetic diseases. Last evaluated: 2025-08-31. Review status: criteria provided, single submitter. Criteria: Ambry Variant Classification Scheme 2023. Collection method: clinical testing. Allele origin: germline.

Labcorp Genetics (formerly Invitae), Labcorp
Classification: Uncertain significance for Cystinuria. Last evaluated: 2024-06-19. Review status: criteria provided, single submitter. Criteria: Invitae Variant Classification Sherloc (09022015). Collection method: clinical testing. Allele origin: germline.
Comment: This sequence change replaces glycine, which is neutral and non-polar, with serine, which is neutral and polar, at codon 630 of the SLC3A1 protein (p.Gly630Ser). This variant is not present in population databases (gnomAD no frequency). This variant has not been reported in the literature in individuals affected with SLC3A1-related conditions. Advanced modeling of protein sequence and biophysical properties (such as structural, functional, and spatial information, amino acid conservation, physicochemical variation, residue mobility, and thermodynamic stability) has been performed at Invitae for this missense variant, however the output from this modeling did not meet the statistical confidence thresholds required to predict the impact of this variant on SLC3A1 protein function. In summary, the available evidence is currently insufficient to determine the role of this variant in disease. Therefore, it has been classified as a Variant of Uncertain Significance.

NM_000341.4(SLC3A1):c.1888G>A (p.Gly630Ser)

Genes: PREPL (prolyl endopeptidase like; minus strand), SLC3A1 (solute carrier family 3 member 1; plus strand). Cytogenetic location: 2p21.
Variant type: single nucleotide variant.
Coding change: c.1888G>A on transcript NM_000341.4 (MANE Select); coding-DNA position 1888, G replaced by A.
Protein change: p.Gly630Ser; replaces glycine 630 with serine.
Molecular consequence: missense variant. On other transcripts: 3 prime UTR variant (10).
Genome position (GRCh38, 1-based): chr2:44,320,469, G>A. VCF-style: chr2-44320469-G-A. GRCh37 (hg19) VCF-style: chr2-44547608-G-A.
Other names: c.1888G>A (NM_000341.3); c.*887C>T (NM_001042385.2, NM_001042386.2, NM_001171603.1 and 7 more transcripts); short protein forms G630S.
Identifiers: ClinVar variation 3666741 (VCV003666741.2).